The following is an entry in ClinVar:

NM_001127511.3(APC):c.-108C>G

Gene: APC (APC regulator of Wnt signaling pathway; plus strand). Cytogenetic location: 5q22.2.
Variant type: single nucleotide variant.
Coding change: c.-108C>G on transcript NM_001127511.3; 108 bases upstream of the start codon, C replaced by G.
Molecular consequence: 5 prime UTR variant. On other transcripts: non-coding transcript variant (2).
Genome position (GRCh38, 1-based): chr5:112,707,610, C>G. VCF-style: chr5-112707610-C-G. GRCh37 (hg19) VCF-style: chr5-112043307-C-G.
Other names: c.-291C>G (NM_001354895.2, NM_001407447.1, NM_001407452.1 and 3 more transcripts); c.-108C>G (NM_001354897.2, NM_001354902.2, NM_001407446.1); c.-58C>G (NM_001407448.1, NM_001407450.1, NM_001407457.1 and 1 more transcripts); c.-82C>G (NM_001407453.1); c.-1326C>G (NM_001407470.1, NM_001407472.1).
Identifiers: ClinVar variation 469819 (VCV000469819.9), dbSNP rs561513597, ClinGen allele CA124925037.

ClinVar aggregate classification (germline): Uncertain significance (1 of 4 stars; one submission).

Conditions:
Familial adenomatous polyposis 1 (FAP1). Also called: FAMILIAL ADENOMATOUS POLYPOSIS 1, ATTENUATED; POLYPOSIS, ADENOMATOUS INTESTINAL. Identifiers: MedGen C2713442, MONDO:0021056, OMIM 175100. Disease mechanism: loss of function.

Allele frequency attached by ClinVar (database versions not stated): 1000 Genomes Project 30x 0.00016; 1000 Genomes Project 0.00020; TOPMed 0.00002.
gnomAD v4.1: 14 of 1,232,838 alleles (0.0011%); highest among the groups gnomAD compares: Admixed American, 0.025%; no homozygotes.

Submission:

Labcorp Genetics (formerly Invitae), Labcorp
Classification: Uncertain significance for Familial adenomatous polyposis 1. Last evaluated: 2025-10-29. Review status: criteria provided, single submitter. Criteria: Invitae Variant Classification Sherloc (09022015). Collection method: clinical testing. Allele origin: germline.
Comment: This variant occurs in a non-coding region of the APC gene. It does not change the encoded amino acid sequence of the APC protein. This variant is not present in population databases (gnomAD no frequency). This variant has not been reported in the literature in individuals affected with APC-related conditions. ClinVar contains an entry for this variant (Variation ID: 469819). Experimental studies and prediction algorithms are not available or were not evaluated, and the functional significance of this variant is currently unknown. In summary, the available evidence is currently insufficient to determine the role of this variant in disease. Therefore, it has been classified as a Variant of Uncertain Significance.